The following is an entry in ClinVar:

ClinVar aggregate classification (germline): Conflicting classifications of pathogenicity. Review status: criteria provided, conflicting classifications (1 of 4 stars). 5 submissions from 5 submitters: Uncertain significance (1); Likely benign (4). Last evaluated 2025-02-16.

Conditions:
ARMC9-related disorder. Also called: ARMC9-related condition.
Inborn genetic diseases. Identifiers: MedGen C0950123, MeSH D030342.

Allele frequency attached by ClinVar (database versions not stated): ESP Exome Variant Server 0.00038; ExAC 0.00068; gnomAD exomes 0.00071; gnomAD 0.00078 and 0.00082; TOPMed 0.00082.

Submissions (5):

Laboratory of Genetics, Children's Clinical University Hospital Latvia
Classification: Likely benign. Last evaluated: 2025-02-16. Review status: criteria provided, single submitter. Criteria: ACMG Guidelines, 2015. Collection method: clinical testing. Allele origin: germline. Affected: yes.

Blueprint Genetics
Classification: Likely benign. Last evaluated: 2024-11-20. Review status: criteria provided, single submitter. Criteria: ACMG Guidelines, 2015. Collection method: clinical testing. Allele origin: germline.

PreventionGenetics, part of Exact Sciences
Classification: Likely benign for ARMC9-related condition. Last evaluated: 2024-10-09. Review status: criteria provided, single submitter. Criteria: ACMG Guidelines, 2015. Collection method: clinical testing. Allele origin: germline.
Comment: This variant is classified as likely benign based on ACMG/AMP sequence variant interpretation guidelines (Richards et al. 2015 PMID: 25741868, with internal and published modifications).

Labcorp Genetics (formerly Invitae), Labcorp
Classification: Uncertain significance. Last evaluated: 2024-01-02. Review status: criteria provided, single submitter. Criteria: Invitae Variant Classification Sherloc (09022015). Collection method: clinical testing. Allele origin: germline.
Comment: This sequence change replaces glutamic acid, which is acidic and polar, with lysine, which is basic and polar, at codon 123 of the ARMC9 protein (p.Glu123Lys). This variant is present in population databases (rs201901213, gnomAD 0.2%), and has an allele count higher than expected for a pathogenic variant. This variant has not been reported in the literature in individuals affected with ARMC9-related conditions. ClinVar contains an entry for this variant (Variation ID: 861089). Experimental studies and prediction algorithms are not available or were not evaluated, and the functional significance of this variant is currently unknown. In summary, the available evidence is currently insufficient to determine the role of this variant in disease. Therefore, it has been classified as a Variant of Uncertain Significance.

Ambry Genetics
Classification: Likely benign for Inborn genetic diseases. Last evaluated: 2022-02-25. Review status: criteria provided, single submitter. Criteria: Ambry Variant Classification Scheme 2023. Collection method: clinical testing. Allele origin: germline.

NM_001352754.2(ARMC9):c.367G>A (p.Glu123Lys)

Gene: ARMC9 (armadillo repeat containing 9; plus strand). Cytogenetic location: 2q37.1.
Variant type: single nucleotide variant.
Coding change: c.367G>A on transcript NM_001352754.2 (MANE Select); coding-DNA position 367, G replaced by A.
Protein change: p.Glu123Lys; replaces glutamic acid 123 with lysine.
Molecular consequence: missense variant. On other transcripts: non-coding transcript variant (1).
Genome position (GRCh38, 1-based): chr2:231,216,656, G>A. VCF-style: chr2-231216656-G-A. GRCh37 (hg19) VCF-style: chr2-232081369-G-A.
Other names: c.367G>A (NM_025139.5, NM_025139.3); c.367G>A, p.Glu123Lys (NM_001271466.4, NM_001291656.2, NM_001352755.2 and 5 more transcripts); short protein forms E123K.
Identifiers: ClinVar variation 861089 (VCV000861089.9), dbSNP rs201901213, ClinGen allele CA2159926.